The following is an entry in ClinVar:

NM_001283009.2(RTEL1):c.1838G>A (p.Gly613Glu)

Genes: RTEL1 (regulator of telomere elongation helicase 1; plus strand), RTEL1-TNFRSF6B (RTEL1-TNFRSF6B readthrough (NMD candidate); plus strand). Cytogenetic location: 20q13.33.
Variant type: single nucleotide variant.
Coding change: c.1838G>A on transcript NM_001283009.2 (MANE Select); coding-DNA position 1838, G replaced by A.
Protein change: p.Gly613Glu; replaces glycine 613 with glutamic acid.
Molecular consequence: missense variant. On other transcripts: non-coding transcript variant (1).
Genome position (GRCh38, 1-based): chr20:63,689,092, G>A. VCF-style: chr20-63689092-G-A. GRCh37 (hg19) VCF-style: chr20-62320445-G-A.
Other names: c.1169G>A, p.Gly390Glu (NM_001283010.1); c.1838G>A, p.Gly613Glu (NM_016434.4); c.1910G>A, p.Gly637Glu (NM_032957.5); short protein forms G613E, G390E, G637E.
Identifiers: ClinVar variation 4844087 (VCV004844087.1).

ClinVar aggregate classification (germline): Uncertain significance (1 of 4 stars; one submission).

Conditions:
Inborn genetic diseases. Identifiers: MedGen C0950123, MeSH D030342.

gnomAD v4.1: 1 of 1,610,714 alleles (0.000062%); highest among the groups gnomAD compares: Non-Finnish European, 0.000085%; no homozygotes.

Submission:

Ambry Genetics
Classification: Uncertain significance for Inborn genetic diseases. Last evaluated: 2026-01-10. Review status: criteria provided, single submitter. Criteria: Ambry Variant Classification Scheme 2023. Collection method: clinical testing. Allele origin: germline.
Comment: The p.G613E variant (also known as c.1838G>A), located in coding exon 21 of the RTEL1 gene, results from a G to A substitution at nucleotide position 1838. The glycine at codon 613 is replaced by glutamic acid, an amino acid with similar properties. This amino acid position is conserved. In addition, this alteration is predicted to be tolerated by in silico analysis. Based on the available evidence, the clinical significance of this variant remains unclear.